The following is an entry in ClinVar:

NM_000551.4(VHL):c.112T>G (p.Ser38Ala)

Gene: VHL (von Hippel-Lindau tumor suppressor; plus strand). Cytogenetic location: 3p25.3.
Variant type: single nucleotide variant.
Coding change: c.112T>G on transcript NM_000551.4 (MANE Select); coding-DNA position 112, T replaced by G.
Protein change: p.Ser38Ala; replaces serine 38 with alanine.
Molecular consequence: missense variant. On other transcripts: non-coding transcript variant (1).
Genome position (GRCh38, 1-based): chr3:10,141,959, T>G. VCF-style: chr3-10141959-T-G. GRCh37 (hg19) VCF-style: chr3-10183643-T-G.
Other names: c.112T>G, p.Ser38Ala (NM_001354723.2, NM_198156.3); short protein forms S38A.
Identifiers: ClinVar variation 3753893 (VCV003753893.2).

ClinVar aggregate classification (germline): Uncertain significance (1 of 4 stars; one submission).

Conditions:
Chuvash polycythemia. Also called: POLYCYTHEMIA, VHL-DEPENDENT. Identifiers: Orphanet 238557, MedGen C1837915, MONDO:0009892, OMIM 263400.
Von Hippel-Lindau syndrome (VHLS). Also called: VHL syndrome; von Hippel–Lindau syndrome; Von Hippel-Lindau. Identifiers: Orphanet 892, MedGen C0019562, MONDO:0008667, OMIM 193300. Disease mechanism: loss of function.

gnomAD v4.1: 3 of 1,544,482 alleles (0.00019%); highest among the groups gnomAD compares: Middle Eastern, 0.02%; no homozygotes.

Submission:

Labcorp Genetics (formerly Invitae), Labcorp
Classification: Uncertain significance for Von Hippel-Lindau syndrome; Chuvash polycythemia. Last evaluated: 2024-05-26. Review status: criteria provided, single submitter. Criteria: Invitae Variant Classification Sherloc (09022015). Collection method: clinical testing. Allele origin: germline.
Comment: This sequence change replaces serine, which is neutral and polar, with alanine, which is neutral and non-polar, at codon 38 of the VHL protein (p.Ser38Ala). The frequency data for this variant in the population databases is considered unreliable, as metrics indicate poor data quality at this position in the gnomAD database. This variant has not been reported in the literature in individuals affected with VHL-related conditions. Advanced modeling of protein sequence and biophysical properties (such as structural, functional, and spatial information, amino acid conservation, physicochemical variation, residue mobility, and thermodynamic stability) performed at Invitae indicates that this missense variant is not expected to disrupt VHL protein function with a negative predictive value of 95%. In summary, the available evidence is currently insufficient to determine the role of this variant in disease. Therefore, it has been classified as a Variant of Uncertain Significance.